The following is an entry in ClinVar:

NM_005548.3(KARS1):c.454G>A (p.Val152Met)

Gene: KARS1 (lysyl-tRNA synthetase 1; minus strand). Cytogenetic location: 16q23.1.
Variant type: single nucleotide variant.
Coding change: c.454G>A on transcript NM_005548.3 (MANE Select); coding-DNA position 454, G replaced by A.
Protein change: p.Val152Met; replaces valine 152 with methionine.
Molecular consequence: missense variant. On other transcripts: 5 prime UTR variant (1).
Genome position (GRCh38, 1-based): chr16:75,636,482, C>T on the plus strand (G>A on the coding strand, the complement: KARS1 is on the minus strand). VCF-style: chr16-75636482-C-T. GRCh37 (hg19) VCF-style: chr16-75670380-C-T.
Other names: c.538G>A, p.Val180Met (NM_001130089.2); c.-15G>A (NM_001378148.1); short protein forms V152M, V180M.
Identifiers: ClinVar variation 3372293 (VCV003372293.1).

ClinVar aggregate classification (germline): Uncertain significance (1 of 4 stars; one submission).

gnomAD v4.1: 6 of 1,612,748 alleles (0.00037%); highest among the groups gnomAD compares: Admixed American, 0.0017%; no homozygotes.

Submission:

GeneDx
Classification: Uncertain significance. Last evaluated: 2024-04-10. Review status: criteria provided, single submitter. Criteria: GeneDx Variant Classification Process June 2021. Collection method: clinical testing. Allele origin: germline. Affected: yes.
Comment: Not observed at significant frequency in large population cohorts (gnomAD); In silico analysis indicates that this missense variant does not alter protein structure/function; Has not been previously published as pathogenic or benign to our knowledge